The following is an entry in ClinVar:

ClinVar aggregate classification (germline): Uncertain significance (1 of 4 stars; one submission).

Conditions:
Methylmalonic acidemia due to transcobalamin receptor defect (MATR). Also called: METHYLMALONIC ACIDURIA, TRANSIENT, DUE TO TRANSCOBALAMIN RECEPTOR DEFECT; METHYLMALONIC ACIDEMIA, TCblR TYPE. Identifiers: Orphanet 280183, MedGen C4749905, MONDO:0013341, OMIM 613646.

Submission:

Labcorp Genetics (formerly Invitae), Labcorp
Classification: Uncertain significance for Methylmalonic acidemia due to transcobalamin receptor defect. Last evaluated: 2024-11-02. Review status: criteria provided, single submitter. Criteria: Invitae Variant Classification Sherloc (09022015). Collection method: clinical testing. Allele origin: germline.
Comment: This sequence change affects the initiator methionine of the CD320 mRNA. The next in-frame methionine is located at codon 6. This variant is not present in population databases (gnomAD no frequency). This variant has not been reported in the literature in individuals affected with CD320-related conditions. Experimental studies and prediction algorithms are not available or were not evaluated, and the functional significance of this variant is currently unknown. In summary, the available evidence is currently insufficient to determine the role of this variant in disease. Therefore, it has been classified as a Variant of Uncertain Significance.

NM_016579.4(CD320):c.3G>C (p.Met1Ile)

Gene: CD320 (CD320 molecule; minus strand). Cytogenetic location: 19p13.2.
Variant type: single nucleotide variant.
Coding change: c.3G>C on transcript NM_016579.4 (MANE Select); coding-DNA position 3, G replaced by C.
Protein change: p.Met1Ile; changes the start codon (methionine 1).
Molecular consequence: missense variant, initiator codon variant.
Genome position (GRCh38, 1-based): chr19:8,308,288, C>G on the plus strand (G>C on the coding strand, the complement: CD320 is on the minus strand). VCF-style: chr19-8308288-C-G. GRCh37 (hg19) VCF-style: chr19-8373172-C-G.
Other names: c.3G>C, p.Met1Ile (NM_001165895.2); short protein forms M1I.
Identifiers: ClinVar variation 3671605 (VCV003671605.2).
Genomic context (GRCh38, chr19:8,308,288, plus strand): 5'-CAGCGCCAGGCCCAGAGCCCCTGTTCGCCACGCTCCAACCTGCGCCATCCAACCGCCGCT[C>G]ATGCTGTCCCCACAGCGGCGCCGGCCACGCGCTGTCCAGACCGCTCTCTTATCCCTGCGC-3'
Protein context (NP_057663.1, residues 1-11): [Met1Ile]SGGWMAQVGA